The following is an entry in ClinVar:

NM_007363.5(NONO):c.1307G>T (p.Gly436Val)

Gene: NONO (non-POU domain containing octamer binding; plus strand). Cytogenetic location: Xq13.1.
Variant type: single nucleotide variant.
Coding change: c.1307G>T on transcript NM_007363.5 (MANE Select); coding-DNA position 1307, G replaced by T.
Protein change: p.Gly436Val; replaces glycine 436 with valine.
Molecular consequence: missense variant.
Genome position (GRCh38, 1-based): chrX:71,299,967, G>T. VCF-style: chrX-71299967-G-T. GRCh37 (hg19) VCF-style: chrX-70519817-G-T.
Other names: c.1307G>T, p.Gly436Val (NM_001145408.2, NM_001145409.2); c.1040G>T, p.Gly347Val (NM_001145410.2); short protein forms G347V, G436V.
Identifiers: ClinVar variation 1723686 (VCV001723686.2), dbSNP rs2519898365, ClinGen allele CA413550087.
Genomic context (GRCh38, chrX:71,299,967, plus strand): 5'-CTCTGTTACAGTGTTGCTCTCTTTTTCTCTTTAAGACCCCACCAACAACTGAACGCTTTG[G>T]TCAGGCTGCTACAATGGAAGGAATTGGGGCAATTGGTGGAACTCCTCCTGCATTCAACCG-3'
Protein context (NP_031389.3, residues 426-446): GLTPPTTERF[Gly436Val]QAATMEGIGA

ClinVar aggregate classification (germline): Uncertain significance (1 of 4 stars; one submission).

Allele frequency attached by ClinVar (database versions not stated): gnomAD exomes 0.00001.
gnomAD v4.1: 4 of 1,211,392 alleles (0.00033%); highest among the groups gnomAD compares: Non-Finnish European, 0.00045%; no homozygotes.

Submission:

GeneDx
Classification: Uncertain significance. Last evaluated: 2022-04-05. Review status: criteria provided, single submitter. Criteria: GeneDx Variant Classification Process June 2021. Collection method: clinical testing. Allele origin: germline. Affected: yes.
Comment: Not observed at significant frequency in large population cohorts (gnomAD); In silico analysis supports that this missense variant does not alter protein structure/function; Has not been previously published as pathogenic or benign to our knowledge